The following is an entry in ClinVar:

ClinVar aggregate classification (germline): Benign. Review status: criteria provided, multiple submitters, no conflicts (2 of 4 stars). 5 submissions from 4 submitters: Benign (4). 1 of the submissions does not count toward it. Last evaluated 2026-02-03.

Conditions:
46,XY sex reversal 11. Also called: ANORCHIA, FAMILIAL; TESTICULAR REGRESSION, EMBRYONIC; Vanishing testis; Testicular regression syndrome. Identifiers: Orphanet 983, MedGen C0266427, MONDO:8000015, OMIM 273250, HP:0012870.
Neurodevelopmental disorder with brain anomalies and with or without vertebral or cardiac anomalies. Identifiers: MedGen C5231481, MONDO:0032888, OMIM 618731.
DHX37-related disorder. Also called: DHX37-Related Disorders; DHX37-related condition.

Allele frequency attached by ClinVar (database versions not stated): gnomAD exomes 0.34758 and 0.35742; TOPMed 0.35486; gnomAD 0.36027 and 0.36092; ExAC 0.36084; ESP Exome Variant Server 0.36252; 1000 Genomes Project 30x 0.37274; 1000 Genomes Project 0.37400.
gnomAD v4.1: 562,933 of 1,612,638 alleles (35%); highest among the groups gnomAD compares: East Asian, 45%; 99,784 homozygotes.

Submissions (5):

Labcorp Genetics (formerly Invitae), Labcorp
Classification: Benign. Last evaluated: 2026-02-03. Review status: criteria provided, single submitter. Criteria: Invitae Variant Classification Sherloc (09022015). Collection method: clinical testing. Allele origin: germline.

Genome-Nilou Lab
Classification: Benign for 46,XY sex reversal 11. Last evaluated: 2021-07-30. Review status: criteria provided, single submitter. Criteria: ACMG Guidelines, 2015. Collection method: clinical testing. Allele origin: germline. Affected: no.

Genome-Nilou Lab
Classification: Benign for Neurodevelopmental disorder with brain anomalies and with or without vertebral or cardiac anomalies. Last evaluated: 2021-07-30. Review status: criteria provided, single submitter. Criteria: ACMG Guidelines, 2015. Collection method: clinical testing. Allele origin: germline. Affected: no.

Breakthrough Genomics
Classification: Benign. Review status: criteria provided, single submitter. Criteria: ACMG Guidelines, 2015. Collection method: not provided. Allele origin: germline. Inheritance: Autosomal recessive inheritance. Affected: yes.

PreventionGenetics, part of Exact Sciences
Classification: Benign for DHX37-related condition. Last evaluated: 2019-10-30. Review status: no assertion criteria provided. Collection method: clinical testing. Allele origin: germline. Not counted in ClinVar's aggregate classification.
Comment: This variant is classified as benign based on ACMG/AMP sequence variant interpretation guidelines (Richards et al. 2015 PMID: 25741868, with internal and published modifications).

NM_032656.4(DHX37):c.288G>A (p.Met96Ile)

Gene: DHX37 (DEAH-box helicase 37; minus strand). Cytogenetic location: 12q24.31.
Variant type: single nucleotide variant.
Coding change: c.288G>A on transcript NM_032656.4 (MANE Select); coding-DNA position 288, G replaced by A.
Protein change: p.Met96Ile; replaces methionine 96 with isoleucine.
Molecular consequence: missense variant.
Genome position (GRCh38, 1-based): chr12:124,982,612, C>T on the plus strand (G>A on the coding strand, the complement: DHX37 is on the minus strand). VCF-style: chr12-124982612-C-T. GRCh37 (hg19) VCF-style: chr12-125467158-C-T.
Other names: c.288G>A (NM_032656.3); short protein forms M96I.
Identifiers: ClinVar variation 1255496 (VCV001255496.11), dbSNP rs11558556, ClinGen allele CA6872486.